The following is an entry in ClinVar:

ClinVar aggregate classification (germline): Likely pathogenic (1 of 4 stars; one submission).

Conditions:
Kohlschutter-Tonz syndrome-like. Also called: DEN HOED-DE BOER-VOISIN SYNDROME. Identifiers: MedGen C5543202, MONDO:0030990, OMIM 619229.

Submission:

Greenwood Genetic Center Diagnostic Laboratories, Greenwood Genetic Center
Classification: Likely pathogenic for Kohlschutter-Tonz syndrome-like. Last evaluated: 2022-12-21. Review status: criteria provided, single submitter. Criteria: ACMG Guidelines, 2015. Collection method: clinical testing. Allele origin: germline. Affected: yes.
Comment: PVS1, PM2

NM_002971.6(SATB1):c.923dup (p.Ser309fs)

Gene: SATB1 (SATB homeobox 1; minus strand). Cytogenetic location: 3p24.3.
Variant type: Duplication.
Coding change: c.923dup on transcript NM_002971.6 (MANE Select); coding-DNA position 923, one base duplicated (T; older notation c.923dupT).
Protein change: p.Ser309fs; shifts the reading frame from serine 309.
Molecular consequence: frameshift variant.
Genome position (GRCh38, 1-based): chr3:18,394,745, A duplicated on the plus strand (T on the coding strand, the reverse complement: SATB1 is on the minus strand). VCF-style (leftmost placement, unchanged base first): chr3-18394744-T-TA. GRCh37 (hg19) VCF-style: chr3-18436236-T-TA.
Other names: c.923dup, p.Ser309fs (NM_001131010.4, NM_001195470.3, NM_001322871.2 and 4 more transcripts); c.707dup, p.Ser237fs (NM_001322876.2); short protein forms S237fs, S309fs.
Identifiers: ClinVar variation 2429048 (VCV002429048.4), dbSNP rs2470656351, ClinGen allele CA2580069192.